The following is an entry in ClinVar:

ClinVar aggregate classification (germline): Pathogenic (1 of 4 stars; one submission).

Conditions:
Neurofibromatosis, type 1 (NF1). Also called: Neurofibromatosis, type I; VON RECKLINGHAUSEN DISEASE; NEUROFIBROMATOSIS, TYPE I, SOMATIC; Peripheral type neurofibromatosis. Identifiers: Orphanet 636, MedGen C0027831, MONDO:0018975, OMIM 162200. Disease mechanism: loss of function.

Submission:

Labcorp Genetics (formerly Invitae), Labcorp
Classification: Pathogenic for Neurofibromatosis, type 1. Last evaluated: 2021-08-04. Review status: criteria provided, single submitter. Criteria: Invitae Variant Classification Sherloc (09022015). Collection method: clinical testing. Allele origin: germline.
Comment: This premature translational stop signal has been observed in individual(s) with neurofibromatosis type 1 (NF1) (PMID: 12112660). This sequence change creates a premature translational stop signal (p.Gln1370Thrfs*16) in the NF1 gene. It is expected to result in an absent or disrupted protein product. Loss-of-function variants in NF1 are known to be pathogenic (PMID: 10712197, 23913538). This variant is not present in population databases (ExAC no frequency). This variant is also known as 4106insTA. For these reasons, this variant has been classified as Pathogenic.

Literature cited by the submitters: PubMed 12112660; PubMed 10712197; PubMed 23913538.

NM_001042492.3(NF1):c.4105_4106dup (p.Gln1370fs)

Gene: NF1 (neurofibromin 1; plus strand). Cytogenetic location: 17q11.2.
Variant type: Microsatellite.
Coding change: c.4105_4106dup on transcript NM_001042492.3 (MANE Select); coding-DNA positions 4105 to 4106, 2 bases duplicated (TA; older notation c.4105_4106dupTA).
Protein change: p.Gln1370fs; shifts the reading frame from glutamine 1370.
Molecular consequence: frameshift variant.
Genome position (GRCh38, 1-based): chr17:31,249,114-31,249,115, TA duplicated; duplicating any 2 consecutive bases within chr17:31,249,112-31,249,115 gives the same sequence; the c. name uses the placement nearest the transcript's 3' end. VCF-style (leftmost placement, unchanged base first): chr17-31249111-T-TTA. GRCh37 (hg19) VCF-style: chr17-29576129-T-TTA.
Other names: c.4103_4104TA[3], p.Gln1370Thrfs (NM_000267.4); short protein forms Q1370fs.
Identifiers: ClinVar variation 1454407 (VCV001454407.6), dbSNP rs2151451661, ClinGen allele CA2580612868.